The following is an entry in ClinVar:

NM_000266.4(NDP):c.224C>G (p.Ser75Cys)

Genes: NDP (norrin cystine knot growth factor NDP; minus strand), NDP-AS1 (NDP antisense RNA 1; plus strand). Cytogenetic location: Xp11.3.
Variant type: single nucleotide variant.
Coding change: c.224C>G on transcript NM_000266.4 (MANE Select); coding-DNA position 224, C replaced by G.
Protein change: p.Ser75Cys; replaces serine 75 with cysteine.
Molecular consequence: missense variant. On other transcripts: non-coding transcript variant (1).
Genome position (GRCh38, 1-based): chrX:43,949,977, G>C on the plus strand (C>G on the coding strand, the complement: NDP is on the minus strand). VCF-style: chrX-43949977-G-C. GRCh37 (hg19) VCF-style: chrX-43809223-G-C.
Other names: short protein forms S75C.
Identifiers: ClinVar variation 10680 (VCV000010680.2), dbSNP rs104894868, ClinGen allele CA255467.
Genomic context (GRCh38, chrX:43,949,977, plus strand): 5'-CAGTGACAGGAGGAACGGAAGGGTTGCTTGAGGACAGTGCTGAACGACACCAAAGGCTCG[G>C]AGCGTGACGCCTGGCTGCAGTGCCCCTCGCACCTGGCCAGGAGCACCATCTGGGGAAAGA-3'
Protein context (NP_000257.1, residues 65-85): CEGHCSQASR[Ser75Cys]EPLVSFSTVL

ClinVar aggregate classification (germline): Likely pathogenic. Review status: criteria provided, single submitter (1 of 4 stars). 2 submissions from 2 submitters: Likely pathogenic (1). 1 of the submissions does not count toward it.

Conditions:
Exudative vitreoretinopathy 2, X-linked. Also called: Familial exudative vitreoretinopathy, X-linked; EXUDATIVE VITREORETINOPATHY, FAMILIAL, 2; FEVR, X-LINKED; NDP-Related Familial Exudative Vitreoretinopathy (FEVR). Identifiers: Orphanet 891, MedGen C1844579, MONDO:0010588, OMIM 305390.
Atrophia bulborum hereditaria (ND). Also called: Norrie Disease; Norrie Disease (Classic Norrie Disease Ocular Phenotype with or without Extraocular Findings; EPISKOPI BLINDNESS; Pseudoglioma; Norrie syndrome; Norrie-Warburg syndrome. Identifiers: Orphanet 649, MedGen C0266526, MONDO:0010691, OMIM 310600, HP:6000262.

Submissions (2):

3billion
Classification: Likely pathogenic for Exudative vitreoretinopathy 2, X-linked. Review status: criteria provided, single submitter. Criteria: ACMG Guidelines, 2015. Collection method: clinical testing. Allele origin: unknown. Affected: yes. Observed: 2 variant alleles, 2 hemizygotes. Clinical features observed: Retinal detachment (HP:0000541), Visual impairment (HP:0000505).
Comment: The variant is not observed in the gnomAD v2.1.1 dataset. Missense changes are a common disease-causing mechanism. In silico tool predictions suggest damaging effect of the variant on gene or gene product (REVEL: 0.74; 3Cnet: 0.81). Same nucleotide change resulting in same amino acid change (ClinVar ID: VCV000010680 / PMID: 1307245) and a different missense change at the same codon (p.Ser75Pro / PMID: 11337749) have been previously reported to be associated with NDP related disorder. Therefore, this variant is classified as Likely pathogenic according to the recommendation of ACMG/AMP guideline.

OMIM
Classification: Pathogenic for NORRIE DISEASE. Last evaluated: 1992-10-01. Review status: no assertion criteria provided. Collection method: literature only. Allele origin: germline. Not counted in ClinVar's aggregate classification.

Literature cited by the submitters: PubMed 1307245 (cited by 3billion and OMIM); PubMed 11337749 (cited by 3billion).